The following is an entry in ClinVar:

ClinVar aggregate classification (germline): Uncertain significance. Review status: criteria provided, multiple submitters, no conflicts (2 of 4 stars). 2 submissions from 2 submitters: Uncertain significance (2). Last evaluated 2022-10-13.

Conditions:
Early-infantile DEE. Also called: Early infantile epileptic encephalopathy; Ohtahara syndrome; Early infantile epileptic encephalopathy with suppression bursts. Identifiers: Orphanet 1934, MedGen C0393706, MONDO:0800491.

gnomAD v4.1: 1 of 1,611,218 alleles (0.000062%); highest among the groups gnomAD compares: Non-Finnish European, 0.000085%; no homozygotes.

Submissions (2):

Labcorp Genetics (formerly Invitae), Labcorp
Classification: Uncertain significance for Early-infantile DEE. Last evaluated: 2022-10-13. Review status: criteria provided, single submitter. Criteria: Invitae Variant Classification Sherloc (09022015). Collection method: clinical testing. Allele origin: germline.
Comment: In summary, the available evidence is currently insufficient to determine the role of this variant in disease. Therefore, it has been classified as a Variant of Uncertain Significance. Algorithms developed to predict the effect of missense changes on protein structure and function output the following: SIFT: "Deleterious"; PolyPhen-2: "Benign"; Align-GVGD: "Class C0". The arginine amino acid residue is found in multiple mammalian species, which suggests that this missense change does not adversely affect protein function. ClinVar contains an entry for this variant (Variation ID: 205903). This variant has not been reported in the literature in individuals affected with KCNQ2-related conditions. This variant is not present in population databases (gnomAD no frequency). This sequence change replaces proline, which is neutral and non-polar, with arginine, which is basic and polar, at codon 420 of the KCNQ2 protein (p.Pro420Arg).

GeneDx
Classification: Uncertain significance. Last evaluated: 2014-07-23. Review status: criteria provided, single submitter. Criteria: GeneDx Variant Classification (06012015). Collection method: clinical testing. Allele origin: germline. Affected: yes.
Comment: p.Pro420Arg (P420R) CCG>CGG: c.1259 C>G in exon 12 of the KCNQ2 gene (NM_172107.2) The P420R variant has not been published as a mutation, nor has it been reported as a benign polymorphism to our knowledge. It was not observed in approximately 6,500 individuals of European and African American ancestry in the NHLBI Exome Sequencing Project, indicating it is not a common benign variant in these populations. The P420R variant is a non-conservative amino acid substitution, which is likely to impact secondary protein structure as these residues differ in polarity, charge, size and/or other properties. However, this substitution occurs at a position that is not conserved across species, and Arginine is observed at this position in other mammalian species. Additionally, in silico analysis predicts this variant likely does not alter the protein structure/function.The identification of P420R suggests that P420R may be a benign variant not associated with the child's phenotype; however, the possibility that it is a disease-associated mutation cannot be excluded since some individuals with KCNQ2 mutations never develop seizures due to incomplete penetrance. Therefore, the identification of P420R in this unaffected parent does not clarify the clinical significance of the variant. The variant is found in EPILEPSY panel(s).

NM_172107.4(KCNQ2):c.1259C>G (p.Pro420Arg)

Gene: KCNQ2 (potassium voltage-gated channel subfamily Q member 2; minus strand). Cytogenetic location: 20q13.33.
Variant type: single nucleotide variant.
Coding change: c.1259C>G on transcript NM_172107.4 (MANE Select); coding-DNA position 1259, C replaced by G.
Protein change: p.Pro420Arg; replaces proline 420 with arginine.
Molecular consequence: missense variant. On other transcripts: intron variant (6).
Genome position (GRCh38, 1-based): chr20:63,419,661, G>C on the plus strand (C>G on the coding strand, the complement: KCNQ2 is on the minus strand). VCF-style: chr20-63419661-G-C. GRCh37 (hg19) VCF-style: chr20-62051014-G-C.
Other names: p.P420R:CCG>CGG; c.1247+4516C>G (NM_001382235.1, NM_172108.5, NM_001439003.1 and 1 more transcripts); c.1217+4516C>G (NM_001439004.1, NM_004518.6); short protein forms P420R.
Identifiers: ClinVar variation 205903 (VCV000205903.8), dbSNP rs139164500, ClinGen allele CA315440.